The following is an entry in ClinVar:

ClinVar aggregate classification (germline): Pathogenic (1 of 4 stars; one submission).

Submission:

GeneDx
Classification: Pathogenic. Last evaluated: 2025-04-27. Review status: criteria provided, single submitter. Criteria: GeneDx Variant Classification Process June 2021. Collection method: clinical testing. Allele origin: germline. Affected: yes.
Comment: Frameshift variant predicted to result in protein truncation or nonsense mediated decay in a gene for which loss of function is a known mechanism of disease; Not observed at significant frequency in large population cohorts (gnomAD); Has not been previously published as pathogenic or benign to our knowledge

NM_001145358.2(SIN3A):c.971_974dup (p.Lys326fs)

Gene: SIN3A (SIN3 transcription regulator family member A; minus strand). Cytogenetic location: 15q24.2.
Variant type: Duplication.
Coding change: c.971_974dup on transcript NM_001145358.2 (MANE Select); coding-DNA positions 971 to 974, 4 bases duplicated (TCTA; older notation c.971_974dupTCTA).
Protein change: p.Lys326fs; shifts the reading frame from lysine 326.
Molecular consequence: frameshift variant.
Genome position (GRCh38, 1-based): chr15:75,411,526-75,411,529, TAGA duplicated on the plus strand (TCTA on the coding strand, the reverse complement: SIN3A is on the minus strand); duplicating any 4 consecutive bases within chr15:75,411,526-75,411,530 gives the same sequence; the c. name uses the placement nearest the transcript's 3' end. VCF-style (leftmost placement, unchanged base first): chr15-75411525-G-GTAGA. GRCh37 (hg19) VCF-style: chr15-75703866-G-GTAGA.
Other names: c.971_974dup, p.Lys326fs (NM_001145357.2, NM_001437462.1, NM_001437463.1 and 1 more transcripts); short protein forms K326fs.
Identifiers: ClinVar variation 4527797 (VCV004527797.1).